The following is an entry in ClinVar:

ClinVar aggregate classification (germline): Uncertain significance (1 of 4 stars; one submission).

Conditions:
Cardiac arrhythmia. Also called: Arrhythmia; Cardiac rhythm disease. Identifiers: MedGen C0003811, MONDO:0007263, HP:0011675.

Submission:

Color Diagnostics, LLC DBA Color Health
Classification: Uncertain significance for Cardiac arrhythmia. Last evaluated: 2023-05-08. Review status: criteria provided, single submitter. Criteria: ACMG Guidelines, 2015. Collection method: clinical testing. Allele origin: germline.
Comment: This variant causes a T to A nucleotide substitution at the -9 position of intron 11 of the KCNH2 gene. To our knowledge, functional studies have not been reported for this variant. This variant has not been reported in individuals affected with KCNH2-related disorders in the literature. This variant has not been identified in the general population by the Genome Aggregation Database (gnomAD). The available evidence is insufficient to determine the role of this variant in disease conclusively. Therefore, this variant is classified as a Variant of Uncertain Significance.

NM_000238.4(KCNH2):c.2693-9T>A

Gene: KCNH2 (potassium voltage-gated channel subfamily H member 2; minus strand). Cytogenetic location: 7q36.1.
Variant type: single nucleotide variant.
Coding change: c.2693-9T>A on transcript NM_000238.4 (MANE Select); 9 bases into the intron before coding-DNA position 2693, T replaced by A.
Molecular consequence: intron variant.
Genome position (GRCh38, 1-based): chr7:150,947,887, A>T on the plus strand (T>A on the coding strand, the complement: KCNH2 is on the minus strand). VCF-style: chr7-150947887-A-T. GRCh37 (hg19) VCF-style: chr7-150644975-A-T.
Other names: c.2405-9T>A (NM_001406753.1); c.1673-9T>A (NM_172057.3).
Identifiers: ClinVar variation 2773426 (VCV002773426.2), dbSNP rs2486008904, ClinGen allele CA2697557666.
Genomic context (GRCh38, chr7:150,947,887, plus strand): 5'-GCCCCCGCCCGGCCCGGCCCCAAGGCCGACACCTCCCCTGGCTGCTCCGTGTCTGTGGGA[A>T]ACAGAGAATGGGCCTCAGAGAGGGGAGGAGAACAGAGAGGAGGGGGCGAGGGTGGAGGAG-3'